The following is an entry in ClinVar:

ClinVar aggregate classification (germline): Uncertain significance. Review status: criteria provided, multiple submitters, no conflicts (2 of 4 stars). 3 submissions from 3 submitters: Uncertain significance (3). Last evaluated 2025-01-16.

Conditions:
Inborn genetic diseases. Identifiers: MedGen C0950123, MeSH D030342.
Chédiak-Higashi syndrome (CHS). Also called: Chediak-Higashi Syndrome. Identifiers: Orphanet 167, MedGen C0007965, MONDO:0008963, OMIM 214500.

Allele frequency attached by ClinVar (database versions not stated): ExAC 0.00001; gnomAD exomes 0.00001; gnomAD 0.00002; TOPMed 0.00003; ESP Exome Variant Server 0.00008.
gnomAD v4.1: 14 of 1,613,916 alleles (0.00087%); highest among the groups gnomAD compares: Admixed American, 0.0017%; no homozygotes.

Submissions (3):

Ambry Genetics
Classification: Uncertain significance for Inborn genetic diseases. Last evaluated: 2025-01-16. Review status: criteria provided, single submitter. Criteria: Ambry Variant Classification Scheme 2023. Collection method: clinical testing. Allele origin: germline.

Women's Health and Genetics/Laboratory Corporation of America, LabCorp
Classification: Uncertain significance. Last evaluated: 2024-09-09. Review status: criteria provided, single submitter. Criteria: LabCorp Variant Classification Summary - May 2015. Collection method: clinical testing. Allele origin: germline.
Comment: Variant summary: LYST c.2022T>A (p.Phe674Leu) results in a non-conservative amino acid change in the encoded protein sequence. Four of five in-silico tools predict a benign effect of the variant on protein function. The variant was absent in 250134 control chromosomes. The available data on variant occurrences in the general population are insufficient to allow any conclusion about variant significance. To our knowledge, no occurrence of c.2022T>A in individuals affected with Chediak-Higashi Syndrome and no experimental evidence demonstrating its impact on protein function have been reported. ClinVar contains an entry for this variant (Variation ID: 2052101). Based on the evidence outlined above, the variant was classified as uncertain significance.

Labcorp Genetics (formerly Invitae), Labcorp
Classification: Uncertain significance for Chédiak-Higashi syndrome. Last evaluated: 2022-02-20. Review status: criteria provided, single submitter. Criteria: Invitae Variant Classification Sherloc (09022015). Collection method: clinical testing. Allele origin: germline.
Comment: This sequence change replaces phenylalanine, which is neutral and non-polar, with leucine, which is neutral and non-polar, at codon 674 of the LYST protein (p.Phe674Leu). This variant is not present in population databases (gnomAD no frequency). This variant has not been reported in the literature in individuals affected with LYST-related conditions. Algorithms developed to predict the effect of missense changes on protein structure and function (SIFT, PolyPhen-2, Align-GVGD) all suggest that this variant is likely to be tolerated. In summary, the available evidence is currently insufficient to determine the role of this variant in disease. Therefore, it has been classified as a Variant of Uncertain Significance.

NM_000081.4(LYST):c.2022T>A (p.Phe674Leu)

Gene: LYST (lysosomal trafficking regulator; minus strand). Cytogenetic location: 1q42.3.
Variant type: single nucleotide variant.
Coding change: c.2022T>A on transcript NM_000081.4 (MANE Select); coding-DNA position 2022, T replaced by A.
Protein change: p.Phe674Leu; replaces phenylalanine 674 with leucine.
Molecular consequence: missense variant.
Genome position (GRCh38, 1-based): chr1:235,808,796, A>T on the plus strand (T>A on the coding strand, the complement: LYST is on the minus strand). VCF-style: chr1-235808796-A-T. GRCh37 (hg19) VCF-style: chr1-235972096-A-T.
Other names: c.2022T>A, p.Phe674Leu (NM_001301365.1); c.2022T>A (NM_000081.2); short protein forms F674L.
Identifiers: ClinVar variation 2052101 (VCV002052101.3), dbSNP rs368896842, ClinGen allele CA1467363.